The following is an entry in ClinVar:

ClinVar aggregate classification (germline): Pathogenic (1 of 4 stars; one submission).

Conditions:
Polycystic kidney disease, adult type (PKD1). Also called: POLYCYSTIC KIDNEY DISEASE 1 WITH OR WITHOUT POLYCYSTIC LIVER DISEASE; POLYCYSTIC KIDNEY DISEASE, ADULT, TYPE I; Polycystic Kidney Disease 1, Autosomal Dominant; Polycystic kidney disease 1; Polycystic kidney disease 1, severe; Polycystic Kidney, Autosomal Dominant. Identifiers: MedGen C3149841, MONDO:0008263, OMIM 173900.

Submission:

Women's Health and Genetics/Laboratory Corporation of America, LabCorp
Classification: Pathogenic for Polycystic kidney disease, adult type. Last evaluated: 2025-03-04. Review status: criteria provided, single submitter. Criteria: LabCorp Variant Classification Summary - May 2015. Collection method: clinical testing. Allele origin: germline.
Comment: Variant summary: PKD1 c.5617_5620delAGCT (p.Ser1873GlyfsX75) results in a premature termination codon, predicted to cause a truncation of the encoded protein or absence of the protein due to nonsense mediated decay, which are commonly known mechanisms for disease. The variant was absent in 245294 control chromosomes. To our knowledge, no occurrence of c.5617_5620delAGCT in individuals affected with Polycystic Kidney Disease 1 and no experimental evidence demonstrating its impact on protein function have been reported. No submitters have cited clinical-significance assessments for this variant to ClinVar. Based on the evidence outlined above, the variant was classified as pathogenic.

NM_001009944.3(PKD1):c.5617_5620del (p.Ser1873fs)

Gene: PKD1 (polycystin 1, transient receptor potential channel interacting; minus strand). Cytogenetic location: 16p13.3.
Variant type: Deletion.
Coding change: c.5617_5620del on transcript NM_001009944.3 (MANE Select); coding-DNA positions 5617 to 5620, 4 bases deleted (AGCT; older notation c.5617_5620delAGCT).
Protein change: p.Ser1873fs; shifts the reading frame from serine 1873.
Molecular consequence: frameshift variant.
Genome position (GRCh38, 1-based): chr16:2,109,547-2,109,550, AGCT deleted on the plus strand (AGCT on the coding strand, the reverse complement: PKD1 is on the minus strand). VCF-style (leftmost placement, unchanged base first): chr16-2109546-CAGCT-C. GRCh37 (hg19) VCF-style: chr16-2159547-CAGCT-C.
Other names: c.5617_5620del, p.Ser1873fs (NM_000296.4); c.5617_5620delAGCT (NM_001009944.3); short protein forms S1873fs.
Identifiers: ClinVar variation 3895839 (VCV003895839.1).
Genomic context (GRCh38, chr16:2,109,546, plus strand): 5'-GCCCACAGCACCAGGCCCACGATGGGCTCCTCCGCCGTGAGGTTGTACGTGGCTGAGACC[CAGCT>C]GACTGCGTTGGAGGCATTGAGCCGGATGGAGAAGGTGCCAGCATCCGGGAAGACCATGGT-3'